The following is an entry in ClinVar:

ClinVar aggregate classification (germline): Benign. Review status: criteria provided, multiple submitters, no conflicts (2 of 4 stars). 4 submissions from 4 submitters: Benign (3). 1 of the submissions does not count toward it. Last evaluated 2026-01-31.

Conditions:
Alkaptonuria (AKU). Also called: Alcaptonuria; Homogentisic acidura; HOMOGENTISIC ACID OXIDASE DEFICIENCY; Alkaptonuric ochronosis. Identifiers: Orphanet 56, MedGen C0002066, MONDO:0008753, OMIM 203500.

Allele frequency attached by ClinVar (database versions not stated): 1000 Genomes Project 30x 0.00921; 1000 Genomes Project 0.00958; TOPMed 0.01761; ESP Exome Variant Server 0.01923; gnomAD 0.02115 and 0.02164; ExAC 0.02256; gnomAD exomes 0.02302 and 0.02425.
gnomAD v4.1: 38,722 of 1,613,576 alleles (2.4%); highest among the groups gnomAD compares: Middle Eastern, 3.7%; 545 homozygotes.

Submissions (4):

Labcorp Genetics (formerly Invitae), Labcorp
Classification: Benign for Alkaptonuria. Last evaluated: 2026-01-31. Review status: criteria provided, single submitter. Criteria: Invitae Variant Classification Sherloc (09022015). Collection method: clinical testing. Allele origin: germline.

Illumina Laboratory Services, Illumina
Classification: Benign for Alkaptonuria. Last evaluated: 2018-01-13. Review status: criteria provided, single submitter. Criteria: ICSL Variant Classification Criteria 13 December 2019. Collection method: clinical testing. Allele origin: germline.
Comment: This variant was observed in the ICSL laboratory as part of a predisposition screen in an ostensibly healthy population. It had not been previously curated by ICSL or reported in the Human Gene Mutation Database (HGMD: prior to June 1st, 2018), and was therefore a candidate for classification through an automated scoring system. Utilizing variant allele frequency, disease prevalence and penetrance estimates, and inheritance mode, an automated score was calculated to assess if this variant is too frequent to cause the disease. Based on the score and internal cut-off values, a variant classified as benign is not then subjected to further curation. The score for this variant resulted in a classification of benign for this disease.

Breakthrough Genomics
Classification: Benign. Review status: criteria provided, single submitter. Criteria: ACMG Guidelines, 2015. Collection method: not provided. Allele origin: germline. Inheritance: Autosomal recessive inheritance. Affected: yes.

Department Of Human Genetics, Institute Of Clinical And Translational Research, Biomedical Research Center, Slovak Academy Of Sciences
Classification: Benign for Alkaptonuria. Review status: no assertion criteria provided. Collection method: research. Allele origin: germline. Inheritance: Autosomal recessive inheritance. Affected: yes. Observed: 1 variant allele. Not counted in ClinVar's aggregate classification.
Comment: The variant has been submitted to the HGD gene mutation database (DB-ID: AKU_00222). Minigene splicing experiments showed no effect of this silent variant c.372C>T (D124D) on splicing, as reported in PMID:30737480.

Literature cited by the submitters: PubMed 30737480 (cited by Department Of Human Genetics, Institute Of Clinical And Translational Research, Biomedical Research Center, Slovak Academy Of Sciences).

NM_000187.4(HGD):c.372C>T (p.Asp124=)

Gene: HGD (homogentisate 1,2-dioxygenase; minus strand). Cytogenetic location: 3q13.33.
Variant type: single nucleotide variant.
Coding change: c.372C>T on transcript NM_000187.4 (MANE Select); coding-DNA position 372, C replaced by T.
Protein change: p.Asp124=; no amino-acid change (aspartic acid 124 retained).
Molecular consequence: synonymous variant.
Genome position (GRCh38, 1-based): chr3:120,650,836, G>A on the plus strand (C>T on the coding strand, the complement: HGD is on the minus strand). VCF-style: chr3-120650836-G-A. GRCh37 (hg19) VCF-style: chr3-120369683-G-A.
Identifiers: ClinVar variation 342749 (VCV000342749.15), dbSNP rs140977117, ClinGen allele CA2560226.